The following is an entry in ClinVar:

NM_000061.3(BTK):c.355del (p.Glu119fs)

Gene: BTK (Bruton tyrosine kinase; minus strand). Cytogenetic location: Xq22.1.
Variant type: Deletion.
Coding change: c.355del on transcript NM_000061.3 (MANE Select); coding-DNA position 355, one base deleted (G; older notation c.355delG).
Protein change: p.Glu119fs; shifts the reading frame from glutamic acid 119.
Molecular consequence: frameshift variant.
Genome position (GRCh38, 1-based): chrX:101,370,034, C deleted on the plus strand (G on the coding strand, the reverse complement: BTK is on the minus strand). VCF-style (leftmost placement, unchanged base first): chrX-101370033-TC-T. GRCh37 (hg19) VCF-style: chrX-100625021-TC-T.
Other names: c.457del, p.Glu153fs (NM_001287344.2); c.355del, p.Glu119fs (NM_001287345.2); short protein forms E119fs, E153fs.
Identifiers: ClinVar variation 2703180 (VCV002703180.3), dbSNP rs2520657374, ClinGen allele CA2697544643.

ClinVar aggregate classification (germline): Pathogenic (1 of 4 stars; one submission).

Conditions:
X-linked agammaglobulinemia with growth hormone deficiency (IGHD3). Also called: HYPOGAMMAGLOBULINEMIA AND ISOLATED GROWTH HORMONE DEFICIENCY, X-LINKED; IGHD III; Isolated growth hormone deficiency type 3; Growth hormone deficiency with hypogammaglobulinemia; ISOLATED GROWTH HORMONE DEFICIENCY, TYPE III, WITH AGAMMAGLOBULINEMIA; AGAMMAGLOBULINEMIA AND ISOLATED GROWTH HORMONE DEFICIENCY, X-LINKED. Identifiers: Orphanet 231692, Orphanet 631, MedGen C0472813, MONDO:0010615, OMIM 307200.

Submission:

Labcorp Genetics (formerly Invitae), Labcorp
Classification: Pathogenic for X-linked agammaglobulinemia with growth hormone deficiency. Last evaluated: 2023-12-14. Review status: criteria provided, single submitter. Criteria: Invitae Variant Classification Sherloc (09022015). Collection method: clinical testing. Allele origin: germline.
Comment: This sequence change creates a premature translational stop signal (p.Glu119Asnfs*2) in the BTK gene. It is expected to result in an absent or disrupted protein product. Loss-of-function variants in BTK are known to be pathogenic (PMID: 15661032, 16862044, 19419768). This variant is not present in population databases (gnomAD no frequency). This variant has not been reported in the literature in individuals affected with BTK-related conditions. For these reasons, this variant has been classified as Pathogenic.

Literature cited by the submitters: PubMed 15661032; PubMed 16862044; PubMed 19419768.